The following is an entry in ClinVar:

NM_015102.5(NPHP4):c.2204G>C (p.Arg735Pro)

Gene: NPHP4 (nephrocystin 4; minus strand). Cytogenetic location: 1p36.31.
Variant type: single nucleotide variant.
Coding change: c.2204G>C on transcript NM_015102.5 (MANE Select); coding-DNA position 2204, G replaced by C.
Protein change: p.Arg735Pro; replaces arginine 735 with proline.
Molecular consequence: missense variant. On other transcripts: non-coding transcript variant (1).
Genome position (GRCh38, 1-based): chr1:5,890,968, C>G on the plus strand (G>C on the coding strand, the complement: NPHP4 is on the minus strand). VCF-style: chr1-5890968-C-G. GRCh37 (hg19) VCF-style: chr1-5951028-C-G.
Other names: c.665G>C, p.Arg222Pro (NM_001291593.2); c.668G>C, p.Arg223Pro (NM_001291594.2); short protein forms R222P, R223P, R735P.
Identifiers: ClinVar variation 1499653 (VCV001499653.8), dbSNP rs1277193938, ClinGen allele CA338059504.

ClinVar aggregate classification (germline): Uncertain significance (1 of 4 stars; one submission).

Conditions:
Nephronophthisis. Also called: Juvenile Nephronophthisis. Identifiers: Orphanet 655, MedGen C0687120, MONDO:0019005, HP:0000090.

Submission:

Labcorp Genetics (formerly Invitae), Labcorp
Classification: Uncertain significance for Nephronophthisis. Last evaluated: 2024-11-11. Review status: criteria provided, single submitter. Criteria: Invitae Variant Classification Sherloc (09022015). Collection method: clinical testing. Allele origin: germline.
Comment: This sequence change replaces arginine, which is basic and polar, with proline, which is neutral and non-polar, at codon 735 of the NPHP4 protein (p.Arg735Pro). This variant is not present in population databases (gnomAD no frequency). This variant has not been reported in the literature in individuals affected with NPHP4-related conditions. ClinVar contains an entry for this variant (Variation ID: 1499653). Invitae Evidence Modeling of protein sequence and biophysical properties (such as structural, functional, and spatial information, amino acid conservation, physicochemical variation, residue mobility, and thermodynamic stability) indicates that this missense variant is not expected to disrupt NPHP4 protein function with a negative predictive value of 80%. In summary, the available evidence is currently insufficient to determine the role of this variant in disease. Therefore, it has been classified as a Variant of Uncertain Significance.